The following is an entry in ClinVar:

NM_000466.3(PEX1):c.3444dup (p.Gln1149fs)

Genes: PEX1 (peroxisomal biogenesis factor 1; minus strand), GATAD1 (GATA zinc finger domain containing 1; plus strand). Cytogenetic location: 7q21.2.
Variant type: Duplication.
Coding change: c.3444dup on transcript NM_000466.3 (MANE Select); coding-DNA position 3444, one base duplicated (A; older notation c.3444dupA).
Protein change: p.Gln1149fs; shifts the reading frame from glutamine 1149.
Molecular consequence: frameshift variant.
Genome position (GRCh38, 1-based): chr7:92,489,906, T duplicated on the plus strand (A on the coding strand, the reverse complement: PEX1 is on the minus strand). VCF-style (leftmost placement, unchanged base first): chr7-92489905-G-GT. GRCh37 (hg19) VCF-style: chr7-92119219-G-GT.
Other names: c.3273dup, p.Gln1092fs (NM_001282677.2); c.2820dup, p.Gln941fs (NM_001282678.2); short protein forms Q1092fs, Q1149fs, Q941fs.
Identifiers: ClinVar variation 4818405 (VCV004818405.1).

ClinVar aggregate classification (germline): Likely pathogenic (1 of 4 stars; one submission).

Conditions:
Zellweger spectrum disorders (ZS). Also called: Zellweger Spectrum Disorder (ZSD); Zellweger syndrome; Zellweger Spectrum Disorder; Zellweger Spectrum. Identifiers: Orphanet 912, MedGen C0043459, MONDO:0019609.

Submission:

Natera, Inc.
Classification: Likely pathogenic for Zellweger syndrome. Last evaluated: 2024-11-14. Review status: criteria provided, single submitter. Criteria: Natera Variant Classification Schema (03/2026). Collection method: clinical testing. Allele origin: germline.
Comment: The c.3444dup variant in PEX1 is a frameshift variant predicted to shift the reading frame beginning at codon 1149 and leads to a stop codon 82 codons downstream. This variant is expected to result in nonsense mediated decay, truncation, or a dysfunctional protein product. This variant is rare in the general population with a frequency below the threshold expected for the associated phenotype(s). Given the available evidence, this variant is classified as Likely Pathogenic.